The following is an entry in ClinVar:

NM_001486.4(GCKR):c.1768C>T (p.His590Tyr)

Gene: GCKR (glucokinase regulator; plus strand). Cytogenetic location: 2p23.3.
Variant type: single nucleotide variant.
Coding change: c.1768C>T on transcript NM_001486.4 (MANE Select); coding-DNA position 1768, C replaced by T.
Protein change: p.His590Tyr; replaces histidine 590 with tyrosine.
Molecular consequence: missense variant.
Genome position (GRCh38, 1-based): chr2:27,523,329, C>T. VCF-style: chr2-27523329-C-T. GRCh37 (hg19) VCF-style: chr2-27746196-C-T.
Other names: short protein forms H590Y.
Identifiers: ClinVar variation 1194285 (VCV001194285.34), dbSNP rs34792470, ClinGen allele CA1582119.
Genomic context (GRCh38, chr2:27,523,329, plus strand): 5'-GTGATACCCATCGCCTTGCTGAGCCTCCTATTCCGGTGCTCGATCACTGAGGCTCAGGCA[C>T]ACCTGGCTGCAGCTCCTTCTGTCTGTGAGGCTGTCAGGAGTGCTCTTGCTGGGCCAGGTC-3'
Protein context (NP_001477.2, residues 580-600): FRCSITEAQA[His590Tyr]LAAAPSVCEA

ClinVar aggregate classification (germline): Likely benign. Review status: criteria provided, multiple submitters, no conflicts (2 of 4 stars). 3 submissions from 3 submitters: Likely benign (3). Last evaluated 2026-01-22.

Allele frequency attached by ClinVar (database versions not stated): 1000 Genomes Project 0.00060; 1000 Genomes Project 30x 0.00078; ExAC 0.00147; ESP Exome Variant Server 0.00161; gnomAD exomes 0.00169 and 0.00245; gnomAD 0.00209 and 0.00214; TOPMed 0.00236.
gnomAD v4.1: 3,881 of 1,612,982 alleles (0.24%); highest among the groups gnomAD compares: Admixed American, 0.42%; 6 homozygotes.

Submissions (3):

Labcorp Genetics (formerly Invitae), Labcorp
Classification: Likely benign. Last evaluated: 2026-01-22. Review status: criteria provided, single submitter. Criteria: Invitae Variant Classification Sherloc (09022015). Collection method: clinical testing. Allele origin: germline.

CeGaT Center for Human Genetics Tuebingen
Classification: Likely benign. Last evaluated: 2023-08-01. Review status: criteria provided, single submitter. Criteria: CeGaT Center For Human Genetics Tuebingen Variant Classification Criteria Version 2. Collection method: clinical testing. Allele origin: germline. Affected: yes. Observed: 2 variant alleles.
Comment: GCKR: BP4, BS1

GeneDx
Classification: Likely benign. Last evaluated: 2020-12-30. Review status: criteria provided, single submitter. Criteria: GeneDx Variant Classification Process June 2021. Collection method: clinical testing. Allele origin: germline. Affected: yes.
Comment: This variant is associated with the following publications: (PMID: 12739015, 24503134)